The following is an entry in ClinVar:

NM_000548.5(TSC2):c.4997T>C (p.Phe1666Ser)

Gene: TSC2 (TSC complex subunit 2; plus strand). Cytogenetic location: 16p13.3.
Variant type: single nucleotide variant.
Coding change: c.4997T>C on transcript NM_000548.5 (MANE Select); coding-DNA position 4997, T replaced by C.
Protein change: p.Phe1666Ser; replaces phenylalanine 1666 with serine.
Molecular consequence: missense variant.
Genome position (GRCh38, 1-based): chr16:2,087,870, T>C. VCF-style: chr16-2087870-T-C. GRCh37 (hg19) VCF-style: chr16-2137871-T-C.
Other names: c.4796T>C, p.Phe1599Ser (NM_001077183.3); c.4928T>C, p.Phe1643Ser (NM_001114382.3); c.4688T>C, p.Phe1563Ser (NM_001318827.2); c.4868T>C, p.Phe1623Ser (NM_021055.3, NM_001370405.1); c.4652T>C, p.Phe1551Ser (NM_001318829.2); c.4265T>C, p.Phe1422Ser (NM_001318831.2); c.4829T>C, p.Phe1610Ser (NM_001318832.2); c.4799T>C, p.Phe1600Ser (NM_001363528.2); and 1 more; short protein forms F1610S, F1563S, F1622S, F1551S, F1599S, F1666S, F1422S, F1600S.
Identifiers: ClinVar variation 657417 (VCV000657417.8), dbSNP rs1596454907, ClinGen allele CA394310980.

ClinVar aggregate classification (germline): Uncertain significance (1 of 4 stars; one submission).

Conditions:
Tuberous sclerosis 2 (TSC2). Identifiers: Orphanet 805, MedGen C1860707, MONDO:0013199, OMIM 613254.

Submission:

Labcorp Genetics (formerly Invitae), Labcorp
Classification: Uncertain significance for Tuberous sclerosis 2. Last evaluated: 2018-10-23. Review status: criteria provided, single submitter. Criteria: Invitae Variant Classification Sherloc (09022015). Collection method: clinical testing. Allele origin: germline.
Comment: In summary, the available evidence is currently insufficient to determine the role of this variant in disease. Therefore, it has been classified as a Variant of Uncertain Significance. Algorithms developed to predict the effect of missense changes on protein structure and function are either unavailable or do not agree on the potential impact of this missense change (SIFT: "Deleterious"; PolyPhen-2: "Probably Damaging"; Align-GVGD: "Class C0"). This variant has not been reported in the literature in individuals with TSC2-related disease. This variant is not present in population databases (ExAC no frequency). This sequence change replaces phenylalanine with serine at codon 1666 of the TSC2 protein (p.Phe1666Ser). The phenylalanine residue is highly conserved and there is a large physicochemical difference between phenylalanine and serine.